The following is an entry in ClinVar:

ClinVar aggregate classification (germline): Conflicting classifications of pathogenicity. Review status: criteria provided, conflicting classifications (1 of 4 stars). 9 submissions from 9 submitters: Uncertain significance (6); Likely benign (3). Last evaluated 2025-01-06.

Conditions:
Pheochromocytoma. Also called: MAX-Related Hereditary Paraganglioma-Pheochromocytoma Syndrome. Identifiers: Orphanet 29072, MedGen C0031511, MONDO:0008233, OMIM 171300, HP:0002666.
Hirschsprung disease, susceptibility to, 1 (HSCR1). Also called: RET-Related Hirschsprung Disease. Identifiers: Orphanet 388, MedGen C3888239, MONDO:0007723, OMIM 142623.
Familial medullary thyroid carcinoma (MTC). Also called: Thyroid cancer, familial medullary; MTC, familial; Familial Medullary Thyroid Carcinoma (FMTC). Identifiers: Orphanet 653, Orphanet 99361, MedGen C1833921, MONDO:0007958, OMIM 155240.
Multiple endocrine neoplasia type 2B. Also called: WAGENMANN-FROBOESE SYNDROME; MULTIPLE ENDOCRINE NEOPLASIA, TYPE III; MEN 2B; MUCOSAL NEUROMA SYNDROME; MULTIPLE ENDOCRINE NEOPLASIA, TYPE IIB; MEN IIB. Identifiers: Orphanet 247709, Orphanet 653, MedGen C0025269, MeSH D018814, MONDO:0008082, OMIM 162300.
Multiple endocrine neoplasia type 2A. Also called: MULTIPLE ENDOCRINE NEOPLASIA, TYPE IIA; PTC SYNDROME; SIPPLE SYNDROME; MEN 2A; MEN-2A syndrome; Pheochromocytoma and amyloid producing medullary thyroid carcinoma. Identifiers: Orphanet 247698, Orphanet 653, MedGen C0025268, MeSH D018813, MONDO:0008234, OMIM 171400.
Hereditary cancer-predisposing syndrome. Also called: Tumor predisposition; Hereditary neoplastic syndrome; Neoplastic Syndromes, Hereditary; Hereditary Cancer Syndrome. Identifiers: Orphanet 140162, MedGen C0027672, MeSH D009386, MONDO:0015356.
Multiple endocrine neoplasia, type 2 (MEN2). Identifiers: Orphanet 653, MedGen C4048306, MONDO:0019003. Disease mechanism: gain of function.

Submissions (9):

Labcorp Genetics (formerly Invitae), Labcorp
Classification: Uncertain significance for Multiple endocrine neoplasia, type 2. Last evaluated: 2025-01-06. Review status: criteria provided, single submitter. Criteria: Invitae Variant Classification Sherloc (09022015). Collection method: clinical testing. Allele origin: germline.
Comment: This variant, c.50_58dup, results in the insertion of 3 amino acid(s) of the RET protein (p.Leu17_Leu19dup), but otherwise preserves the integrity of the reading frame. This variant is present in population databases (rs768132465, gnomAD 0.04%), and has an allele count higher than expected for a pathogenic variant. This variant has not been reported in the literature in individuals affected with RET-related conditions. ClinVar contains an entry for this variant (Variation ID: 216728). Experimental studies and prediction algorithms are not available or were not evaluated, and the functional significance of this variant is currently unknown. In summary, the available evidence is currently insufficient to determine the role of this variant in disease. Therefore, it has been classified as a Variant of Uncertain Significance.

Fulgent Genetics
Classification: Likely benign for Hirschsprung disease, susceptibility to, 1; Familial medullary thyroid carcinoma; Multiple endocrine neoplasia type 2B; Pheochromocytoma; Multiple endocrine neoplasia type 2A. Last evaluated: 2024-06-09. Review status: criteria provided, single submitter. Criteria: ACMG Guidelines, 2015. Collection method: clinical testing. Allele origin: germline.

Quest Diagnostics Nichols Institute San Juan Capistrano
Classification: Uncertain significance. Last evaluated: 2024-02-26. Review status: criteria provided, single submitter. Criteria: Quest Diagnostics criteria. Collection method: clinical testing. Allele origin: unknown.

Color Diagnostics, LLC DBA Color Health
Classification: Uncertain significance for Multiple endocrine neoplasia, type 2. Last evaluated: 2023-10-16. Review status: criteria provided, single submitter. Criteria: ACMG Guidelines, 2015. Collection method: clinical testing. Allele origin: germline.
Comment: This variant causes an in-frame insertion of 3 amino acids in the RET protein. To our knowledge, functional studies have not been reported for this variant. This variant has been reported in an individual affected with breast cancer (PMID: 35264596). This variant has been identified in 16/108732 chromosomes in the general population by the Genome Aggregation Database (gnomAD). The available evidence is insufficient to determine the role of this variant in disease conclusively. Therefore, this variant is classified as a Variant of Uncertain Significance.

Women's Health and Genetics/Laboratory Corporation of America, LabCorp
Classification: Likely benign. Last evaluated: 2023-02-27. Review status: criteria provided, single submitter. Criteria: LabCorp Variant Classification Summary - May 2015. Collection method: clinical testing. Allele origin: germline.
Comment: Variant summary: RET c.50_58dupTGCTGCTGC (p.Leu17_Leu19dup) results in an in-frame duplication that is predicted to duplicate three amino acids into the encoded protein. The variant allele was found at a frequency of 0.00015 in 108732 control chromosomes. The observed variant frequency is approximately 4 fold of the estimated maximal expected allele frequency for a pathogenic variant in RET causing Multiple Endocrine Neoplasia Type 2 phenotype (3.7e-05), strongly suggesting that the variant is benign. To our knowledge, no occurrence of c.50_58dupTGCTGCTGC in individuals affected with Multiple Endocrine Neoplasia Type 2 and no experimental evidence demonstrating its impact on protein function have been reported. Six clinical diagnostic laboratories have submitted clinical-significance assessments for this variant to ClinVar after 2014 without evidence for independent evaluation (likely benign n=1, VUS n=5). Based on the evidence outlined above, the variant was classified as likely benign.

Sema4
Classification: Uncertain significance for Hereditary cancer-predisposing syndrome. Last evaluated: 2021-07-20. Review status: criteria provided, single submitter. Criteria: Sema4 Curation Guidelines. Collection method: curation. Allele origin: germline.
Comment: The RET c.50_58dup (p.L17_L19dup) variant has not been reported in the literature to our knowledge. It was observed in 13/21276 chromosomes of the Latino subpopulation in the large and broad cohorts of the Genome Aggregation Database (PMID: 32461654). The variant has been reported in ClinVar (Variation ID: 216728). The evidence is insufficient to meet ACMG/AMP criteria for classifying the variant as benign or pathogenic. Thus, the clinical significance of this variant is currently uncertain.

Ambry Genetics
Classification: Likely benign for Hereditary cancer-predisposing syndrome. Last evaluated: 2020-10-14. Review status: criteria provided, single submitter. Criteria: Ambry Variant Classification Scheme 2023. Collection method: clinical testing. Allele origin: germline.

Mendelics
Classification: Uncertain significance for Multiple endocrine neoplasia, type 2a. Last evaluated: 2018-07-02. Review status: criteria provided, single submitter. Criteria: Mendelics Assertion Criteria 2017. Collection method: clinical testing. Allele origin: unknown.

Eurofins Ntd Llc (ga)
Classification: Uncertain significance. Last evaluated: 2017-02-02. Review status: criteria provided, single submitter. Criteria: EGL Classification Definitions 2015. Collection method: clinical testing. Allele origin: germline. Observed: 1 variant allele, 1 heterozygote.

Literature cited by the submitters: PubMed 35264596 (cited by Quest Diagnostics Nichols Institute San Juan Capistrano and Color Diagnostics, LLC DBA Color Health).

NM_020975.6(RET):c.44TGC[8] (p.Leu19_Pro20insLeuLeuLeu)

Gene: RET (ret proto-oncogene; plus strand). Cytogenetic location: 10q11.21.
Variant type: Microsatellite.
Coding change: c.44TGC[8] on transcript NM_020975.6 (MANE Select); eight copies in a row of the 3-base unit TGC starting at c.44; the reference has five copies in a row; three copies, 9 bases duplicated; also written c.50_58dup.
Protein change: p.Leu19_Pro20insLeuLeuLeu.
Molecular consequence: inframe insertion. On other transcripts: inframe indel (42).
Genome position (GRCh38, 1-based): chr10:43,077,308-43,077,316, TGCTGCTGC duplicated; duplicating any 9 consecutive bases within chr10:43,077,302-43,077,316 gives the same sequence; the position shown is the placement nearest the transcript's 3' end. VCF-style (leftmost placement, unchanged base first): chr10-43077301-T-TTGCTGCTGC. GRCh37 (hg19) VCF-style: chr10-43572749-T-TTGCTGCTGC.
Other names: c.50_58dup (NM_020975.4, NM_020975.6); c.44_46TGC[8], p.Leu19_Pro20insLeuLeuLeu (NM_000323.2, NM_001406743.1, NM_001406744.1 and 39 more transcripts).
Identifiers: ClinVar variation 216728 (VCV000216728.20), dbSNP rs768132465, ClinGen allele CA338489.
Genomic context (GRCh38, chr10:43,077,301, plus strand): 5'-CCCCAGCGCGCACGGGCGATGGCGAAGGCGACGTCCGGTGCCGCGGGGCTGCGTCTGCTG[T>TTGCTGCTGC]TGCTGCTGCTGCTGCCGCTGCTAGGCAAAGGTGAGTTCTGCCGGCCGCCGGCTCCCGCAG-3'